The following is an entry in ClinVar:

NM_004369.4(COL6A3):c.176G>A (p.Arg59Gln)

Gene: COL6A3 (collagen type VI alpha 3 chain; minus strand). Cytogenetic location: 2q37.3.
Variant type: single nucleotide variant.
Coding change: c.176G>A on transcript NM_004369.4 (MANE Select); coding-DNA position 176, G replaced by A.
Protein change: p.Arg59Gln; replaces arginine 59 with glutamine.
Molecular consequence: missense variant. On other transcripts: intron variant (4).
Genome position (GRCh38, 1-based): chr2:237,395,120, C>T on the plus strand (G>A on the coding strand, the complement: COL6A3 is on the minus strand). VCF-style: chr2-237395120-C-T. GRCh37 (hg19) VCF-style: chr2-238303763-C-T.
Other names: c.91+1607G>A (NM_057166.5, NM_057167.4, NM_057164.5 and 1 more transcripts); short protein forms R59Q.
Identifiers: ClinVar variation 2203293 (VCV002203293.4), dbSNP rs111577719, ClinGen allele CA2189923.

ClinVar aggregate classification (germline): Uncertain significance (1 of 4 stars; one submission).

Conditions:
Bethlem myopathy 1A. Also called: Bethlem Muscular Dystrophy; MYOPATHY, BENIGN CONGENITAL, WITH CONTRACTURES; Bethlem myopathy 1. Identifiers: Orphanet 610, MedGen CN029274, MONDO:0024530, OMIM 158810.

Allele frequency attached by ClinVar (database versions not stated): ExAC 0.00001; gnomAD 0.00001.
gnomAD v4.1: 9 of 1,613,880 alleles (0.00056%); highest among the groups gnomAD compares: African/African-American, 0.0013%; no homozygotes.

Submission:

Labcorp Genetics (formerly Invitae), Labcorp
Classification: Uncertain significance for Bethlem myopathy 1A. Last evaluated: 2025-07-21. Review status: criteria provided, single submitter. Criteria: Invitae Variant Classification Sherloc (09022015). Collection method: clinical testing. Allele origin: germline.
Comment: This sequence change replaces arginine, which is basic and polar, with glutamine, which is neutral and polar, at codon 59 of the COL6A3 protein (p.Arg59Gln). This variant is present in population databases (no rsID available, gnomAD 0.0009%). This variant has not been reported in the literature in individuals affected with COL6A3-related conditions. ClinVar contains an entry for this variant (Variation ID: 2203293). Invitae Evidence Modeling of protein sequence and biophysical properties (such as structural, functional, and spatial information, amino acid conservation, physicochemical variation, residue mobility, and thermodynamic stability) indicates that this missense variant is not expected to disrupt COL6A3 protein function with a negative predictive value of 95%. In summary, the available evidence is currently insufficient to determine the role of this variant in disease. Therefore, it has been classified as a Variant of Uncertain Significance.